The following is an entry in ClinVar:

NM_182961.4(SYNE1):c.11208C>A (p.Asp3736Glu)

Gene: SYNE1 (spectrin repeat containing nuclear envelope protein 1; minus strand). Cytogenetic location: 6q25.2.
Variant type: single nucleotide variant.
Coding change: c.11208C>A on transcript NM_182961.4 (MANE Select); coding-DNA position 11208, C replaced by A.
Protein change: p.Asp3736Glu; replaces aspartic acid 3736 with glutamic acid.
Molecular consequence: missense variant.
Genome position (GRCh38, 1-based): chr6:152,353,308, G>T on the plus strand (C>A on the coding strand, the complement: SYNE1 is on the minus strand). VCF-style: chr6-152353308-G-T. GRCh37 (hg19) VCF-style: chr6-152674443-G-T.
Other names: c.11163C>A, p.Asp3721Glu (NM_033071.5); short protein forms D3721E, D3736E.
Identifiers: ClinVar variation 2144221 (VCV002144221.4), dbSNP rs1232538444, ClinGen allele CA366122255.

ClinVar aggregate classification (germline): Uncertain significance (1 of 4 stars; one submission).

Conditions:
Autosomal recessive ataxia, Beauce type. Also called: SYNE1-Related Autosomal Recessive Cerebellar Ataxia; Spinocerebellar ataxia, autosomal recessive 8; ATAXIA, RECESSIVE, OF BEAUCE; SYNE1 Deficiency. Identifiers: Orphanet 88644, MedGen C1853116, MONDO:0012549, OMIM 610743.
Emery-Dreifuss muscular dystrophy 4, autosomal dominant (EDMD4). Also called: EMERY-DREIFUSS MUSCULAR DYSTROPHY 4 WITH VARIABLE FEATURES. Identifiers: Orphanet 261, MedGen C2751807, MONDO:0013071, OMIM 612998.

Allele frequency attached by ClinVar (database versions not stated): gnomAD exomes below 0.00001.
gnomAD v4.1: 2 of 1,614,148 alleles (0.00012%); highest among the groups gnomAD compares: Non-Finnish European, 0.00017%; no homozygotes.

Submission:

Labcorp Genetics (formerly Invitae), Labcorp
Classification: Uncertain significance for Emery-Dreifuss muscular dystrophy 4, autosomal dominant; Autosomal recessive ataxia, Beauce type. Last evaluated: 2024-11-11. Review status: criteria provided, single submitter. Criteria: Invitae Variant Classification Sherloc (09022015). Collection method: clinical testing. Allele origin: germline.
Comment: This sequence change replaces aspartic acid, which is acidic and polar, with glutamic acid, which is acidic and polar, at codon 3721 of the SYNE1 protein (p.Asp3721Glu). This variant is present in population databases (no rsID available, gnomAD 0.003%). This variant has not been reported in the literature in individuals affected with SYNE1-related conditions. ClinVar contains an entry for this variant (Variation ID: 2144221). An algorithm developed to predict the effect of missense changes on protein structure and function outputs the following: PolyPhen-2: "Benign". The glutamic acid amino acid residue is found in multiple mammalian species, which suggests that this missense change does not adversely affect protein function. In summary, the available evidence is currently insufficient to determine the role of this variant in disease. Therefore, it has been classified as a Variant of Uncertain Significance.